The following is an entry in ClinVar:

NM_015662.3(IFT172):c.4874T>G (p.Ile1625Ser)

Genes: IFT172 (intraflagellar transport 172; minus strand), KRTCAP3 (keratinocyte associated protein 3; plus strand). Cytogenetic location: 2p23.3.
Variant type: single nucleotide variant.
Coding change: c.4874T>G on transcript NM_015662.3 (MANE Select); coding-DNA position 4874, T replaced by G.
Protein change: p.Ile1625Ser; replaces isoleucine 1625 with serine.
Molecular consequence: missense variant. On other transcripts: intron variant (1).
Genome position (GRCh38, 1-based): chr2:27,445,785, A>C on the plus strand (T>G on the coding strand, the complement: IFT172 is on the minus strand). VCF-style: chr2-27445785-A-C. GRCh37 (hg19) VCF-style: chr2-27668652-A-C.
Other names: c.4808T>G, p.Ile1603Ser (NM_001410739.1); c.*6-516A>C (NM_001168364.2); short protein forms I1603S, I1625S.
Identifiers: ClinVar variation 1718600 (VCV001718600.6), dbSNP rs2465789708, ClinGen allele CA346414550.

ClinVar aggregate classification (germline): Uncertain significance (1 of 4 stars; one submission).

Conditions:
Short-rib thoracic dysplasia 10 with or without polydactyly (SRTD10). Identifiers: Orphanet 474, MedGen C3810175, MONDO:0014284, OMIM 615630.
Retinitis pigmentosa 71 (RP71). Identifiers: Orphanet 791, MedGen C4225342, MONDO:0014618, OMIM 616394.

Submission:

Labcorp Genetics (formerly Invitae), Labcorp
Classification: Uncertain significance for Retinitis pigmentosa 71; Short-rib thoracic dysplasia 10 with or without polydactyly. Last evaluated: 2022-09-21. Review status: criteria provided, single submitter. Criteria: Invitae Variant Classification Sherloc (09022015). Collection method: clinical testing. Allele origin: germline.
Comment: This sequence change replaces isoleucine, which is neutral and non-polar, with serine, which is neutral and polar, at codon 1625 of the IFT172 protein (p.Ile1625Ser). This variant is not present in population databases (gnomAD no frequency). This variant has not been reported in the literature in individuals affected with IFT172-related conditions. Advanced modeling of protein sequence and biophysical properties (such as structural, functional, and spatial information, amino acid conservation, physicochemical variation, residue mobility, and thermodynamic stability) performed at Invitae indicates that this missense variant is expected to disrupt IFT172 protein function. In summary, the available evidence is currently insufficient to determine the role of this variant in disease. Therefore, it has been classified as a Variant of Uncertain Significance.